The following is an entry in ClinVar:

ClinVar aggregate classification (germline): Conflicting classifications of pathogenicity. Review status: criteria provided, conflicting classifications (1 of 4 stars). 6 submissions from 6 submitters: Uncertain significance (1); Benign (1); Likely benign (3). 1 of the submissions does not count toward it. Last evaluated 2025-11-01.

Conditions:
COG1-related disorder. Also called: COG1-related condition.
Inborn genetic diseases. Identifiers: MedGen C0950123, MeSH D030342.
COG1 congenital disorder of glycosylation (CDG2G). Also called: CONGENITAL DISORDER OF GLYCOSYLATION, TYPE IIg; CDG IIg; CDGII/COG1 CEREBROCOSTOMANDIBULAR-LIKE SYNDROME. Identifiers: Orphanet 263508, MedGen C2931011, MONDO:0012637, OMIM 611209.

Allele frequency attached by ClinVar (database versions not stated): ExAC 0.00046; 1000 Genomes Project 30x 0.00062; TOPMed 0.00142; gnomAD exomes 0.00036 and 0.00020; gnomAD 0.00110 and 0.00125; 1000 Genomes Project 0.00060; ESP Exome Variant Server 0.00154.
gnomAD v4.1: 465 of 1,614,186 alleles (0.029%); highest among the groups gnomAD compares: African/African-American, 0.35%; 2 homozygotes.

Submissions (6):

Labcorp Genetics (formerly Invitae), Labcorp
Classification: Likely benign for COG1 congenital disorder of glycosylation. Last evaluated: 2025-11-01. Review status: criteria provided, single submitter. Criteria: Invitae Variant Classification Sherloc (09022015). Collection method: clinical testing. Allele origin: germline.

Ambry Genetics
Classification: Likely benign for Inborn genetic diseases. Last evaluated: 2022-04-07. Review status: criteria provided, single submitter. Criteria: Ambry Variant Classification Scheme 2023. Collection method: clinical testing. Allele origin: germline.

Illumina Laboratory Services, Illumina
Classification: Uncertain significance for COG1 congenital disorder of glycosylation. Last evaluated: 2018-01-13. Review status: criteria provided, single submitter. Criteria: ICSL Variant Classification Criteria 13 December 2019. Collection method: clinical testing. Allele origin: germline.

Center for Pediatric Genomic Medicine, Children's Mercy Hospital and Clinics
Classification: Likely benign. Last evaluated: 2017-04-19. Review status: criteria provided, single submitter. Criteria: ACMG Guidelines, 2015. Collection method: clinical testing. Allele origin: germline.

Eurofins Ntd Llc (ga)
Classification: Benign. Last evaluated: 2013-05-28. Review status: criteria provided, single submitter. Criteria: EGL Classification Definitions 2015. Collection method: clinical testing. Allele origin: germline. Observed: 1 variant allele, 1 heterozygote.

PreventionGenetics, part of Exact Sciences
Classification: Likely benign for COG1-related condition. Last evaluated: 2021-07-13. Review status: no assertion criteria provided. Collection method: clinical testing. Allele origin: germline. Not counted in ClinVar's aggregate classification.
Comment: This variant is classified as likely benign based on ACMG/AMP sequence variant interpretation guidelines (Richards et al. 2015 PMID: 25741868, with internal and published modifications).

NM_018714.3(COG1):c.401C>T (p.Ser134Leu)

Gene: COG1 (component of oligomeric golgi complex 1; plus strand). Cytogenetic location: 17q25.1.
Variant type: single nucleotide variant.
Coding change: c.401C>T on transcript NM_018714.3 (MANE Select); coding-DNA position 401, C replaced by T.
Protein change: p.Ser134Leu; replaces serine 134 with leucine.
Molecular consequence: missense variant.
Genome position (GRCh38, 1-based): chr17:73,196,592, C>T. VCF-style: chr17-73196592-C-T. GRCh37 (hg19) VCF-style: chr17-71192731-C-T.
Other names: short protein forms S134L.
Identifiers: ClinVar variation 95918 (VCV000095918.24), dbSNP rs146066919, ClinGen allele CA149039.